The following is an entry in ClinVar:

ClinVar aggregate classification (germline): Uncertain significance. Review status: criteria provided, multiple submitters, no conflicts (2 of 4 stars). 2 submissions from 2 submitters: Uncertain significance (2). Last evaluated 2026-07-01.

Conditions:
Inborn genetic diseases. Identifiers: MedGen C0950123, MeSH D030342.

gnomAD v4.1: 23 of 1,612,098 alleles (0.0014%); highest among the groups gnomAD compares: Admixed American, 0.0017%; no homozygotes.

Submissions (2):

CeGaT Center for Human Genetics Tuebingen
Classification: Uncertain significance. Last evaluated: 2026-07-01. Review status: criteria provided, single submitter. Criteria: CeGaT Center For Human Genetics Tuebingen Variant Classification Criteria Version 2. Collection method: clinical testing. Allele origin: germline. Affected: yes. Observed: 1 variant allele.
Comment: TH: PM2

Ambry Genetics
Classification: Uncertain significance for Inborn genetic diseases. Last evaluated: 2025-05-23. Review status: criteria provided, single submitter. Criteria: Ambry Variant Classification Scheme 2023. Collection method: clinical testing. Allele origin: germline.

NM_000360.4(TH):c.1237G>C (p.Asp413His)

Gene: TH (tyrosine hydroxylase; minus strand). Cytogenetic location: 11p15.5.
Variant type: single nucleotide variant.
Coding change: c.1237G>C on transcript NM_000360.4 (MANE Select); coding-DNA position 1237, G replaced by C.
Protein change: p.Asp413His; replaces aspartic acid 413 with histidine.
Molecular consequence: missense variant.
Genome position (GRCh38, 1-based): chr11:2,165,329, C>G on the plus strand (G>C on the coding strand, the complement: TH is on the minus strand). VCF-style: chr11-2165329-C-G. GRCh37 (hg19) VCF-style: chr11-2186559-C-G.
Other names: c.1330G>C, p.Asp444His (NM_199292.3); c.1318G>C, p.Asp440His (NM_199293.3); short protein forms D440H, D444H, D413H.
Identifiers: ClinVar variation 3968254 (VCV003968254.2).